The following is an entry in ClinVar:

NM_001252024.2(TRPM1):c.2280G>A (p.Met760Ile)

Gene: TRPM1 (transient receptor potential cation channel subfamily M member 1; minus strand). Cytogenetic location: 15q13.3.
Variant type: single nucleotide variant.
Coding change: c.2280G>A on transcript NM_001252024.2 (MANE Select); coding-DNA position 2280, G replaced by A.
Protein change: p.Met760Ile; replaces methionine 760 with isoleucine.
Molecular consequence: missense variant.
Genome position (GRCh38, 1-based): chr15:31,040,154, C>T on the plus strand (G>A on the coding strand, the complement: TRPM1 is on the minus strand). VCF-style: chr15-31040154-C-T. GRCh37 (hg19) VCF-style: chr15-31332357-C-T.
Other names: c.2331G>A, p.Met777Ile (NM_001252020.2); c.2214G>A, p.Met738Ile (NM_002420.6); short protein forms M738I, M760I, M777I.
Identifiers: ClinVar variation 2116100 (VCV002116100.4), dbSNP rs2504108779, ClinGen allele CA391509519.

ClinVar aggregate classification (germline): Uncertain significance (1 of 4 stars; one submission).

Allele frequency attached by ClinVar (database versions not stated): gnomAD exomes below 0.00001.
gnomAD v4.1: 2 of 1,614,248 alleles (0.00012%); highest among the groups gnomAD compares: Non-Finnish European, 0.00017%; no homozygotes.

Submission:

Labcorp Genetics (formerly Invitae), Labcorp
Classification: Uncertain significance. Last evaluated: 2022-03-23. Review status: criteria provided, single submitter. Criteria: Invitae Variant Classification Sherloc (09022015). Collection method: clinical testing. Allele origin: germline.
Comment: Algorithms developed to predict the effect of missense changes on protein structure and function (SIFT, PolyPhen-2, Align-GVGD) all suggest that this variant is likely to be tolerated. This sequence change replaces methionine, which is neutral and non-polar, with isoleucine, which is neutral and non-polar, at codon 738 of the TRPM1 protein (p.Met738Ile). This variant is not present in population databases (gnomAD no frequency). This variant has not been reported in the literature in individuals affected with TRPM1-related conditions. In summary, the available evidence is currently insufficient to determine the role of this variant in disease. Therefore, it has been classified as a Variant of Uncertain Significance.